The following is an entry in ClinVar:

ClinVar aggregate classification (germline): Uncertain significance (1 of 4 stars; one submission).

gnomAD v4.1: 1 of 1,613,978 alleles (0.000062%); highest among the groups gnomAD compares: Non-Finnish European, 0.000085%; no homozygotes.

Submission:

Women's Health and Genetics/Laboratory Corporation of America, LabCorp
Classification: Uncertain significance. Last evaluated: 2025-02-04. Review status: criteria provided, single submitter. Criteria: LabCorp Variant Classification Summary - May 2015. Collection method: clinical testing. Allele origin: germline.
Comment: Variant summary: TACR3 c.1198A>G (p.Met400Val) results in a conservative amino acid change in the encoded protein sequence. Five of five in-silico tools predict a benign effect of the variant on protein function. The variant allele was found at a frequency of 4e-06 in 250992 control chromosomes. The available data on variant occurrences in the general population are insufficient to allow any conclusion about variant significance. To our knowledge, no occurrence of c.1198A>G in individuals affected with Hypogonadotropic Hypogonadism 11 With Or Without Anosmia and no experimental evidence demonstrating its impact on protein function have been reported. No submitters have cited clinical-significance assessments for this variant to ClinVar. Based on the evidence outlined above, the variant was classified as uncertain significance.

NM_001059.3(TACR3):c.1198A>G (p.Met400Val)

Genes: TACR3 (tachykinin receptor 3; minus strand), TACR3-AS1 (TACR3 antisense RNA 1; plus strand). Cytogenetic location: 4q24.
Variant type: single nucleotide variant.
Coding change: c.1198A>G on transcript NM_001059.3 (MANE Select); coding-DNA position 1198, A replaced by G.
Protein change: p.Met400Val; replaces methionine 400 with valine.
Molecular consequence: missense variant.
Genome position (GRCh38, 1-based): chr4:103,589,882, T>C on the plus strand (A>G on the coding strand, the complement: TACR3 is on the minus strand). VCF-style: chr4-103589882-T-C. GRCh37 (hg19) VCF-style: chr4-104511039-T-C.
Other names: short protein forms M400V.
Identifiers: ClinVar variation 3768765 (VCV003768765.1).